The following is an entry in ClinVar:

NM_005732.4(RAD50):c.762_765dup (p.Lys256fs)

Gene: RAD50 (RAD50 double strand break repair protein; plus strand). Cytogenetic location: 5q31.1.
Variant type: Duplication.
Coding change: c.762_765dup on transcript NM_005732.4 (MANE Select); coding-DNA positions 762 to 765, 4 bases duplicated (TCTA; older notation c.762_765dupTCTA).
Protein change: p.Lys256fs; shifts the reading frame from lysine 256.
Molecular consequence: frameshift variant.
Genome position (GRCh38, 1-based): chr5:132,587,567-132,587,570, TCTA duplicated. VCF-style (leftmost placement, unchanged base first): chr5-132587566-G-GTCTA. GRCh37 (hg19) VCF-style: chr5-131923258-G-GTCTA.
Other names: short protein forms K256fs.
Identifiers: ClinVar variation 645216 (VCV000645216.9), dbSNP rs1580991792, ClinGen allele CA915943541.

ClinVar aggregate classification (germline): Pathogenic (1 of 4 stars; one submission).

Conditions:
Hereditary cancer-predisposing syndrome. Also called: Hereditary Cancer Syndrome; Tumor predisposition; Hereditary neoplastic syndrome; Neoplastic Syndromes, Hereditary. Identifiers: Orphanet 140162, MedGen C0027672, MeSH D009386, MONDO:0015356.

Submission:

Labcorp Genetics (formerly Invitae), Labcorp
Classification: Pathogenic for Hereditary cancer-predisposing syndrome. Last evaluated: 2023-05-18. Review status: criteria provided, single submitter. Criteria: Invitae Variant Classification Sherloc (09022015). Collection method: clinical testing. Allele origin: germline.
Comment: For these reasons, this variant has been classified as Pathogenic. ClinVar contains an entry for this variant (Variation ID: 645216). This variant has not been reported in the literature in individuals affected with RAD50-related conditions. This variant is not present in population databases (gnomAD no frequency). This sequence change creates a premature translational stop signal (p.Lys256Serfs*5) in the RAD50 gene. It is expected to result in an absent or disrupted protein product. Loss-of-function variants in RAD50 are known to be pathogenic (PMID: 19409520).

Literature cited by the submitters: PubMed 19409520.